The following is an entry in ClinVar:

NM_021620.4(PRDM13):c.992G>A (p.Gly331Asp)

Genes: PRDM13 (PR/SET domain 13; plus strand), LOC129996881 (ATAC-STARR-seq lymphoblastoid silent region 17422; plus strand). Cytogenetic location: 6q16.2.
Variant type: single nucleotide variant.
Coding change: c.992G>A on transcript NM_021620.4 (MANE Select); coding-DNA position 992, G replaced by A.
Protein change: p.Gly331Asp; replaces glycine 331 with aspartic acid.
Molecular consequence: missense variant.
Genome position (GRCh38, 1-based): chr6:99,613,627, G>A. VCF-style: chr6-99613627-G-A. GRCh37 (hg19) VCF-style: chr6-100061503-G-A.
Other names: c.992G>A (NM_021620.3); short protein forms G331D.
Identifiers: ClinVar variation 1364270 (VCV001364270.9), dbSNP rs544839719, ClinGen allele CA143975342.
Genomic context (GRCh38, chr6:99,613,627, plus strand): 5'-CCTACCGGGAGGAGAGCAGCAGCAAGCAAGGAGCCGGCCTCGCTTTGGGCAGGCTGCTGG[G>A]CGGGGGCCGGGCGTGCGGGCGCCCCGGGAGCGGGGAGAACTCGGCGGCGGGCGGCGCGGG-3'
Protein context (NP_067633.2, residues 321-341): GAGLALGRLL[Gly331Asp]GGRACGRPGS

ClinVar aggregate classification (germline): Conflicting classifications of pathogenicity. Review status: criteria provided, conflicting classifications (1 of 4 stars). 4 submissions from 4 submitters: Uncertain significance (3); Likely benign (1). Last evaluated 2026-06-23.

Conditions:
Inborn genetic diseases. Identifiers: MedGen C0950123, MeSH D030342.
PRDM13-related disorder. Also called: PRDM13-related condition.

Allele frequency attached by ClinVar (database versions not stated): TOPMed 0.00005; gnomAD 0.00001 and 0.00004; gnomAD exomes 0.00006 and 0.00014; 1000 Genomes Project 30x 0.00031; 1000 Genomes Project 0.00040.
gnomAD v4.1: 177 of 1,457,032 alleles (0.012%); highest among the groups gnomAD compares: East Asian, 0.5%; 1 homozygote.

Submissions (4):

PreventionGenetics, part of Exact Sciences
Classification: Likely benign for PRDM13-related condition. Last evaluated: 2026-06-23. Review status: criteria provided, single submitter. Criteria: ACMG Guidelines, 2015. Collection method: clinical testing. Allele origin: germline.
Comment: This variant is classified as likely benign based on ACMG/AMP sequence variant interpretation guidelines (Richards et al. 2015 PMID: 25741868, with internal and published modifications).

Ambry Genetics
Classification: Uncertain significance for Inborn genetic diseases. Last evaluated: 2025-09-25. Review status: criteria provided, single submitter. Criteria: Ambry Variant Classification Scheme 2023. Collection method: clinical testing. Allele origin: germline.

Blueprint Genetics
Classification: Uncertain significance. Last evaluated: 2023-06-21. Review status: criteria provided, single submitter. Criteria: ACMG Guidelines, 2015. Collection method: clinical testing. Allele origin: germline.

Labcorp Genetics (formerly Invitae), Labcorp
Classification: Uncertain significance. Last evaluated: 2022-07-19. Review status: criteria provided, single submitter. Criteria: Invitae Variant Classification Sherloc (09022015). Collection method: clinical testing. Allele origin: germline.
Comment: This sequence change replaces glycine, which is neutral and non-polar, with aspartic acid, which is acidic and polar, at codon 331 of the PRDM13 protein (p.Gly331Asp). In summary, the available evidence is currently insufficient to determine the role of this variant in disease. Therefore, it has been classified as a Variant of Uncertain Significance. Algorithms developed to predict the effect of missense changes on protein structure and function are either unavailable or do not agree on the potential impact of this missense change (SIFT: "Deleterious"; PolyPhen-2: "Benign"; Align-GVGD: "Class C0"). ClinVar contains an entry for this variant (Variation ID: 1364270). This variant has not been reported in the literature in individuals affected with PRDM13-related conditions. This variant is present in population databases (rs544839719, gnomAD 0.05%).